The following is an entry in ClinVar:

NM_014956.5(CEP164):c.3217-8G>A

Gene: CEP164 (centrosomal protein 164; plus strand). Cytogenetic location: 11q23.3.
Variant type: single nucleotide variant.
Coding change: c.3217-8G>A on transcript NM_014956.5 (MANE Select); 8 bases into the intron before coding-DNA position 3217, G replaced by A.
Molecular consequence: intron variant.
Genome position (GRCh38, 1-based): chr11:117,396,542, G>A. VCF-style: chr11-117396542-G-A. GRCh37 (hg19) VCF-style: chr11-117267258-G-A.
Other names: c.3226-8G>A (NM_001271933.2); c.3217-8G>A (NM_014956.4).
Identifiers: ClinVar variation 1117139 (VCV001117139.11), dbSNP rs374823549, ClinGen allele CA6295376.

ClinVar aggregate classification (germline): Likely benign. Review status: criteria provided, multiple submitters, no conflicts (2 of 4 stars). 3 submissions from 3 submitters: Likely benign (3). Last evaluated 2025-12-15.

Conditions:
Nephronophthisis 15 (NPHP15). Identifiers: Orphanet 3156, MedGen C3541853, MONDO:0013917, OMIM 614845.
CEP164-related disorder. Also called: CEP164-related condition.

Allele frequency attached by ClinVar (database versions not stated): ExAC 0.00004; TOPMed 0.00006; gnomAD 0.00007; gnomAD exomes 0.00007 and 0.00017; ESP Exome Variant Server 0.00015.

Submissions (3):

Labcorp Genetics (formerly Invitae), Labcorp
Classification: Likely benign for Nephronophthisis 15. Last evaluated: 2025-12-15. Review status: criteria provided, single submitter. Criteria: Invitae Variant Classification Sherloc (09022015). Collection method: clinical testing. Allele origin: germline.

PreventionGenetics, part of Exact Sciences
Classification: Likely benign for CEP164-related condition. Last evaluated: 2024-10-10. Review status: criteria provided, single submitter. Criteria: ACMG Guidelines, 2015. Collection method: clinical testing. Allele origin: germline.
Comment: This variant is classified as likely benign based on ACMG/AMP sequence variant interpretation guidelines (Richards et al. 2015 PMID: 25741868, with internal and published modifications).

Fulgent Genetics
Classification: Likely benign for Nephronophthisis 15. Last evaluated: 2022-03-07. Review status: criteria provided, single submitter. Criteria: ACMG Guidelines, 2015. Collection method: clinical testing. Allele origin: unknown.